The following is an entry in ClinVar:

NM_003334.4(UBA1):c.84C>T (p.Ser28=)

Genes: UBA1 (ubiquitin like modifier activating enzyme 1; plus strand), LOC126863253 (CDK7 strongly-dependent group 2 enhancer GRCh37_chrX:47057593-47058792; plus strand). Cytogenetic location: Xp11.3.
Variant type: single nucleotide variant.
Coding change: c.84C>T on transcript NM_003334.4 (MANE Select); coding-DNA position 84, C replaced by T.
Protein change: p.Ser28=; no amino-acid change (serine 28 retained).
Molecular consequence: synonymous variant.
Genome position (GRCh38, 1-based): chrX:47,198,886, C>T. VCF-style: chrX-47198886-C-T. GRCh37 (hg19) VCF-style: chrX-47058285-C-T.
Other names: c.84C>T, p.Ser28= (NM_153280.3).
Identifiers: ClinVar variation 774767 (VCV000774767.13), dbSNP rs782656395, ClinGen allele CA10395587.

ClinVar aggregate classification (germline): Likely benign. Review status: criteria provided, multiple submitters, no conflicts (2 of 4 stars). 3 submissions from 3 submitters: Likely benign (2). 1 of the submissions does not count toward it. Last evaluated 2025-09-05.

Conditions:
UBA1-related disorder. Also called: UBA1-related condition.
Infantile-onset X-linked spinal muscular atrophy. Also called: AMC, DISTAL, X-LINKED; ARTHROGRYPOSIS, X-LINKED, TYPE I; SPINAL MUSCULAR ATROPHY, X-LINKED LETHAL INFANTILE; Spinal muscular atrophy, X-linked 2; Spinal Muscular Atrophy, X-Linked Infantile. Identifiers: Orphanet 1145, MedGen C1844934, MONDO:0010532, OMIM 301830.

gnomAD v4.1: 60 of 1,210,620 alleles (0.005%); highest among the groups gnomAD compares: South Asian, 0.083%; no homozygotes.

Submissions (3):

Labcorp Genetics (formerly Invitae), Labcorp
Classification: Likely benign for Infantile-onset X-linked spinal muscular atrophy. Last evaluated: 2025-09-05. Review status: criteria provided, single submitter. Criteria: Invitae Variant Classification Sherloc (09022015). Collection method: clinical testing. Allele origin: germline.

Blueprint Genetics
Classification: Likely benign. Last evaluated: 2023-09-18. Review status: criteria provided, single submitter. Criteria: ACMG Guidelines, 2015. Collection method: clinical testing. Allele origin: germline.

PreventionGenetics, part of Exact Sciences
Classification: Likely benign for UBA1-related condition. Last evaluated: 2019-07-01. Review status: no assertion criteria provided. Collection method: clinical testing. Allele origin: germline. Not counted in ClinVar's aggregate classification.
Comment: This variant is classified as likely benign based on ACMG/AMP sequence variant interpretation guidelines (Richards et al. 2015 PMID: 25741868, with internal and published modifications).